The following is an entry in ClinVar:

ClinVar aggregate classification (germline): Pathogenic (1 of 4 stars; one submission).

Conditions:
Bardet-Biedl syndrome (BBS). Identifiers: Orphanet 110, MedGen C0752166, MONDO:0015229.

Submission:

Labcorp Genetics (formerly Invitae), Labcorp
Classification: Pathogenic for Bardet-Biedl syndrome. Last evaluated: 2023-05-02. Review status: criteria provided, single submitter. Criteria: Invitae Variant Classification Sherloc (09022015). Collection method: clinical testing. Allele origin: unknown.
Comment: For these reasons, this variant has been classified as Pathogenic. This variant has not been reported in the literature in individuals affected with BBS9-related conditions. A gross deletion of the genomic region encompassing the full coding sequence of the BBS9 gene has been identified. Loss-of-function variants in BBS9 are known to be pathogenic (PMID: 16380913, 20177705). The boundaries of this event are unknown as they extend beyond the assayed region for this gene and therefore may encompass additional genes.

Literature cited by the submitters: PubMed 16380913; PubMed 20177705.

NC_000007.13:g.(?_33185865)_(33644838_?)del

Gene: BBS9 (Bardet-Biedl syndrome 9; plus strand). Cytogenetic location: 7p14.3.
Variant type: Deletion.
Identifiers: ClinVar variation 3245731 (VCV003245731.1).